The following is an entry in ClinVar:

NM_001128922.2(LRRC32):c.579C>T (p.Phe193=)

Genes: LRRC32 (leucine rich repeat containing 32; minus strand), LRRC32-AS1 (LRRC32 antisense RNA 1; plus strand). Cytogenetic location: 11q13.5.
Variant type: single nucleotide variant.
Coding change: c.579C>T on transcript NM_001128922.2 (MANE Select); coding-DNA position 579, C replaced by T.
Protein change: p.Phe193=; no amino-acid change (phenylalanine 193 retained).
Molecular consequence: synonymous variant. On other transcripts: non-coding transcript variant (1), intron variant (1).
Genome position (GRCh38, 1-based): chr11:76,661,014, G>A on the plus strand (C>T on the coding strand, the complement: LRRC32 is on the minus strand). VCF-style: chr11-76661014-G-A. GRCh37 (hg19) VCF-style: chr11-76372058-G-A.
Other names: c.579C>T, p.Phe193= (NM_001370187.1, NM_001370188.1, NM_005512.3); c.513C>T, p.Phe171= (NM_001370189.1); c.249C>T, p.Phe83= (NM_001370190.1); c.85-2980C>T (NM_001370191.1).
Identifiers: ClinVar variation 3250759 (VCV003250759.18), dbSNP rs144938321.
Genomic context (GRCh38, chr11:76,661,014, plus strand): 5'-GGAGATGCAGGTGAGGGAATTCCTGGAGAGGTTGAGATGGGTCAGGCGGGGCAGACCCTC[G>A]AAGGCGCCATCCTCGATGTCCATCAGCACGTTGCTATGCAGGTCAAGCTGCTCCAGCGCA-3'
Protein context (NP_001122394.1, residues 183-203): NVLMDIEDGA[Phe193=]EGLPRLTHLN

ClinVar aggregate classification (germline): Likely benign (1 of 4 stars; one submission).

Allele frequency attached by ClinVar (database versions not stated): ESP Exome Variant Server 0.00008; ExAC 0.00015; TOPMed 0.00021; gnomAD exomes 0.00035.
gnomAD v4.1: 526 of 1,614,164 alleles (0.033%); highest among the groups gnomAD compares: Non-Finnish European, 0.041%; no homozygotes.

Submission:

CeGaT Center for Human Genetics Tuebingen
Classification: Likely benign. Last evaluated: 2024-06-01. Review status: criteria provided, single submitter. Criteria: CeGaT Center For Human Genetics Tuebingen Variant Classification Criteria Version 2. Collection method: clinical testing. Allele origin: germline. Affected: yes. Observed: 1 variant allele.
Comment: LRRC32: BP4, BP7